The following is an entry in ClinVar:

ClinVar aggregate classification (germline): Pathogenic (1 of 4 stars; one submission).

Conditions:
Fanconi anemia (FA). Also called: Fanconi's anemia. Identifiers: Orphanet 84, MedGen C0015625, MeSH D005199, MONDO:0019391.

Submission:

Labcorp Genetics (formerly Invitae), Labcorp
Classification: Pathogenic for Fanconi anemia. Last evaluated: 2023-10-24. Review status: criteria provided, single submitter. Criteria: Invitae Variant Classification Sherloc (09022015). Collection method: clinical testing. Allele origin: germline.
Comment: This variant is a gross deletion of the genomic region encompassing exon(s) 1-2 of the FANCL gene, which includes the initiator codon. This deletion extends beyond the assayed region for this gene and therefore may encompass additional genes. It is expected to result in an absent or disrupted protein product. Loss-of-function variants in FANCL are known to be pathogenic (PMID: 19405097, 23613520). This variant has not been reported in the literature in individuals affected with FANCL-related conditions. For these reasons, this variant has been classified as Pathogenic.

Literature cited by the submitters: PubMed 19405097; PubMed 23613520.

NC_000002.11:g.(?_58459169)_(58468448_?)del

Gene: FANCL (FA complementation group L; minus strand). Cytogenetic location: 2p16.1.
Variant type: Deletion.
Identifiers: ClinVar variation 2426431 (VCV002426431.4).